The following is an entry in ClinVar:

ClinVar aggregate classification (germline): Uncertain significance (1 of 4 stars; one submission).

Conditions:
Inborn genetic diseases. Identifiers: MedGen C0950123, MeSH D030342.

Submission:

Ambry Genetics
Classification: Uncertain significance for Inborn genetic diseases. Last evaluated: 2025-12-14. Review status: criteria provided, single submitter. Criteria: Ambry Variant Classification Scheme 2023. Collection method: clinical testing. Allele origin: germline.
Comment: The p.L284I variant (also known as c.850T>A), located in coding exon 8 of the CEP57 gene, results from a T to A substitution at nucleotide position 850. The leucine at codon 284 is replaced by isoleucine, an amino acid with highly similar properties. This amino acid position is conserved. In addition, this alteration is predicted to be tolerated by in silico analysis. Based on the available evidence, the clinical significance of this variant remains unclear.

NM_014679.5(CEP57):c.850T>A (p.Leu284Ile)

Gene: CEP57 (centrosomal protein 57; plus strand). Cytogenetic location: 11q21.
Variant type: single nucleotide variant.
Coding change: c.850T>A on transcript NM_014679.5 (MANE Select); coding-DNA position 850, T replaced by A.
Protein change: p.Leu284Ile; replaces leucine 284 with isoleucine.
Molecular consequence: missense variant. On other transcripts: intron variant (4).
Genome position (GRCh38, 1-based): chr11:95,822,541, T>A. VCF-style: chr11-95822541-T-A. GRCh37 (hg19) VCF-style: chr11-95555705-T-A.
Other names: c.823T>A, p.Leu275Ile (NM_001243776.2); c.769T>A, p.Leu257Ile (NM_001363604.2, NM_001440869.1, NM_001440870.1); c.807+563T>A (NM_001243777.2); c.699+3637T>A (NM_001440874.1); c.690+563T>A (NM_001440876.1); c.582+3637T>A (NM_001440882.1); c.742T>A, p.Leu248Ile (NM_001440871.1); c.733T>A, p.Leu245Ile (NM_001440872.1); and 6 more; short protein forms L185I, L197I, L209I, L218I, L221I, L284I, L224I, L245I.
Identifiers: ClinVar variation 4613758 (VCV004613758.1).